The following is an entry in ClinVar:

ClinVar aggregate classification (germline): Likely benign. Review status: criteria provided, single submitter (1 of 4 stars). 2 submissions from 2 submitters: Likely benign (1). 1 of the submissions does not count toward it. Last evaluated 2025-10-02.

Conditions:
COL4A1-related disorder. Also called: COL4A1-related condition; COL4A1-related disorders. Identifiers: MedGen CN376119, MONDO:0800461.

Allele frequency attached by ClinVar (database versions not stated): gnomAD 0.00001; gnomAD exomes below 0.00001; ExAC 0.00001.
gnomAD v4.1: 2 of 1,613,888 alleles (0.00012%); highest among the groups gnomAD compares: Admixed American, 0.0017%; no homozygotes.

Submissions (2):

Labcorp Genetics (formerly Invitae), Labcorp
Classification: Likely benign. Last evaluated: 2025-10-02. Review status: criteria provided, single submitter. Criteria: Invitae Variant Classification Sherloc (09022015). Collection method: clinical testing. Allele origin: germline.

PreventionGenetics, part of Exact Sciences
Classification: Likely benign for COL4A1-related condition. Last evaluated: 2024-06-04. Review status: no assertion criteria provided. Collection method: clinical testing. Allele origin: germline. Not counted in ClinVar's aggregate classification.
Comment: This variant is classified as likely benign based on ACMG/AMP sequence variant interpretation guidelines (Richards et al. 2015 PMID: 25741868, with internal and published modifications).

NM_001845.6(COL4A1):c.2964G>A (p.Gln988=)

Gene: COL4A1 (collagen type IV alpha 1 chain; minus strand). Cytogenetic location: 13q34.
Variant type: single nucleotide variant.
Coding change: c.2964G>A on transcript NM_001845.6 (MANE Select); coding-DNA position 2964, G replaced by A.
Protein change: p.Gln988=; no amino-acid change (glutamine 988 retained).
Molecular consequence: synonymous variant.
Genome position (GRCh38, 1-based): chr13:110,176,630, C>T on the plus strand (G>A on the coding strand, the complement: COL4A1 is on the minus strand). VCF-style: chr13-110176630-C-T. GRCh37 (hg19) VCF-style: chr13-110828977-C-T.
Other names: c.2964G>A (NM_001845.5).
Identifiers: ClinVar variation 2778803 (VCV002778803.4), dbSNP rs753771704, ClinGen allele CA7047447.
Genomic context (GRCh38, chr13:110,176,630, plus strand): 5'-ACACAGGCCTCATCCTGAGCCCTTGCCACACTGGGGACCGGAGCTCCACACTGTACCTGG[C>T]TGCCCAGGCTGTCCTGCCTGCCCGTCCTTTCCAGGCACTCCTGGGGTCCCAGGGTCTCCT-3'
Protein context (NP_001836.3, residues 978-998): GKDGQAGQPG[Gln988=]PGPKGDPGIS